The following is an entry in ClinVar:

NM_001376571.1(MADD):c.494C>G (p.Ala165Gly)

Gene: MADD (MAP kinase activating death domain; plus strand). Cytogenetic location: 11p11.2.
Variant type: single nucleotide variant.
Coding change: c.494C>G on transcript NM_001376571.1 (MANE Select); coding-DNA position 494, C replaced by G.
Protein change: p.Ala165Gly; replaces alanine 165 with glycine.
Molecular consequence: missense variant. On other transcripts: non-coding transcript variant (8), intron variant (1).
Genome position (GRCh38, 1-based): chr11:47,274,994, C>G. VCF-style: chr11-47274994-C-G. GRCh37 (hg19) VCF-style: chr11-47296545-C-G.
Other names: c.494C>G, p.Ala165Gly (NM_130470.3, NM_130471.3, NM_130472.3 and 80 more transcripts); c.-7-905C>G (NM_001376663.1); c.290C>G, p.Ala97Gly (NM_001376620.1, NM_001376626.1, NM_001376627.1 and 9 more transcripts); short protein forms A165G, A97G.
Identifiers: ClinVar variation 1213042 (VCV001213042.6), dbSNP rs138776960, ClinGen allele CA380321480.

ClinVar aggregate classification (germline): Conflicting classifications of pathogenicity. Review status: criteria provided, conflicting classifications (1 of 4 stars). 2 submissions from 2 submitters: Uncertain significance (1); Likely benign (1). Last evaluated 2022-10-04.

Conditions:
Inborn genetic diseases. Identifiers: MedGen C0950123, MeSH D030342.

gnomAD v4.1: 16 of 1,613,826 alleles (0.00099%); highest among the groups gnomAD compares: Non-Finnish European, 0.0012%; no homozygotes.

Submissions (2):

Ambry Genetics
Classification: Likely benign for Inborn genetic diseases. Last evaluated: 2022-10-04. Review status: criteria provided, single submitter. Criteria: Ambry Variant Classification Scheme 2023. Collection method: clinical testing. Allele origin: germline.

GeneDx
Classification: Uncertain significance. Last evaluated: 2020-11-24. Review status: criteria provided, single submitter. Criteria: GeneDx Variant Classification Process June 2021. Collection method: clinical testing. Allele origin: germline. Affected: yes.
Comment: Not observed in large population cohorts (Lek et al., 2016); In silico analysis, which includes protein predictors and evolutionary conservation, supports that this variant does not alter protein structure/function; Has not been previously published as pathogenic or benign to our knowledge